The following is an entry in ClinVar:

NM_016239.4(MYO15A):c.8552C>T (p.Ala2851Val)

Gene: MYO15A (myosin XVA; plus strand). Cytogenetic location: 17p11.2.
Variant type: single nucleotide variant.
Coding change: c.8552C>T on transcript NM_016239.4 (MANE Select); coding-DNA position 8552, C replaced by T.
Protein change: p.Ala2851Val; replaces alanine 2851 with valine.
Molecular consequence: missense variant.
Genome position (GRCh38, 1-based): chr17:18,156,287, C>T. VCF-style: chr17-18156287-C-T. GRCh37 (hg19) VCF-style: chr17-18059601-C-T.
Other names: short protein forms A2851V.
Identifiers: ClinVar variation 2573585 (VCV002573585.2), dbSNP rs780488750, ClinGen allele CA8425195.
Genomic context (GRCh38, chr17:18,156,287, plus strand): 5'-CCCAGAACATGCTGGAGTTCAACCTGGCCAGTGAGAAGGTCATCCTCTTCTCAGCCCGAG[C>T]GCACCAGGTCAAGACCCTGGTAGATGACTTCATCTTGGAGCTGAAGAAGGTCAGGATCTT-3'
Protein context (NP_057323.3, residues 2841-2861): SEKVILFSAR[Ala2851Val]HQVKTLVDDF

ClinVar aggregate classification (germline): Conflicting classifications of pathogenicity. Review status: criteria provided, conflicting classifications (1 of 4 stars). 2 submissions from 2 submitters: Likely pathogenic (1); Uncertain significance (1). Last evaluated 2025-06-27.

Allele frequency attached by ClinVar (database versions not stated): ExAC 0.00001; TOPMed 0.00001; gnomAD exomes 0.00002.
gnomAD v4.1: 23 of 1,614,186 alleles (0.0014%); highest among the groups gnomAD compares: Non-Finnish European, 0.0017%; no homozygotes.

Submissions (2):

GeneDx
Classification: Likely pathogenic. Last evaluated: 2025-06-27. Review status: criteria provided, single submitter. Criteria: GeneDx Variant Classification Process June 2021. Collection method: clinical testing. Allele origin: germline. Affected: yes.
Comment: Identified in unrelated patients with hearing loss referred for genetic testing at GeneDx and in published literature (PMID: 30733538); Not observed at significant frequency in large population cohorts (gnomAD); In silico analysis supports that this missense variant has a deleterious effect on protein structure/function; This variant is associated with the following publications: (PMID: 36401330, 30733538)

Women's Health and Genetics/Laboratory Corporation of America, LabCorp
Classification: Uncertain significance. Last evaluated: 2023-06-13. Review status: criteria provided, single submitter. Criteria: LabCorp Variant Classification Summary - May 2015. Collection method: clinical testing. Allele origin: germline.
Comment: Variant summary: MYO15A c.8552C>T (p.Ala2851Val) results in a non-conservative amino acid change in the encoded protein sequence. Five of five in-silico tools predict a damaging effect of the variant on protein function. The variant allele was found at a frequency of 1.2e-05 in 249558 control chromosomes. The available data on variant occurrences in the general population are insufficient to allow any conclusion about variant significance. c.8552C>T has been reported in the literature in at least one compound heterozygous individual affected with Autosomal Recessive Nonsyndromic Hearing Loss (example: Han_2019). These data do not allow any conclusion about variant significance. To our knowledge, no experimental evidence demonstrating an impact on protein function has been reported. The following publication has been ascertained in the context of this evaluation (PMID: 30733538). No clinical diagnostic laboratories have submitted clinical-significance assessments for this variant to ClinVar after 2014. Based on the evidence outlined above, the variant was classified as uncertain significance.

Literature cited by the submitters: PubMed 30733538 (cited by Women's Health and Genetics/Laboratory Corporation of America, LabCorp).